The following is an entry in ClinVar:

ClinVar aggregate classification (germline): Uncertain significance (1 of 4 stars; one submission).

gnomAD v4.1: 2 of 1,606,608 alleles (0.00012%); highest among the groups gnomAD compares: East Asian, 0.0045%; no homozygotes.

Submission:

Labcorp Genetics (formerly Invitae), Labcorp
Classification: Uncertain significance. Last evaluated: 2024-06-19. Review status: criteria provided, single submitter. Criteria: Invitae Variant Classification Sherloc (09022015). Collection method: clinical testing. Allele origin: germline.
Comment: This sequence change replaces glutamic acid, which is acidic and polar, with glycine, which is neutral and non-polar, at codon 1304 of the TOP2B protein (p.Glu1304Gly). The frequency data for this variant in the population databases is considered unreliable, as metrics indicate poor data quality at this position in the gnomAD database. This variant has not been reported in the literature in individuals affected with TOP2B-related conditions. An algorithm developed to predict the effect of missense changes on protein structure and function (PolyPhen-2) suggests that this variant is likely to be tolerated. In summary, the available evidence is currently insufficient to determine the role of this variant in disease. Therefore, it has been classified as a Variant of Uncertain Significance.

NM_001330700.2(TOP2B):c.3926A>G (p.Glu1309Gly)

Gene: TOP2B (DNA topoisomerase II beta; minus strand). Cytogenetic location: 3p24.2.
Variant type: single nucleotide variant.
Coding change: c.3926A>G on transcript NM_001330700.2 (MANE Select); coding-DNA position 3926, A replaced by G.
Protein change: p.Glu1309Gly; replaces glutamic acid 1309 with glycine.
Molecular consequence: missense variant.
Genome position (GRCh38, 1-based): chr3:25,609,573, T>C on the plus strand (A>G on the coding strand, the complement: TOP2B is on the minus strand). VCF-style: chr3-25609573-T-C. GRCh37 (hg19) VCF-style: chr3-25651064-T-C.
Other names: c.3911A>G, p.Glu1304Gly (NM_001068.3); short protein forms E1304G, E1309G.
Identifiers: ClinVar variation 3673926 (VCV003673926.2).